The following is an entry in ClinVar:

ClinVar aggregate classification (germline): Likely benign. Review status: criteria provided, multiple submitters, no conflicts (2 of 4 stars). 2 submissions from 2 submitters: Likely benign (2). Last evaluated 2026-01-18.

Conditions:
TTN-related disorder. Also called: TTN-related condition; TTN-related disease; TTN-related disorders.
Autosomal recessive limb-girdle muscular dystrophy type 2J (LGMDR10). Also called: Limb-girdle muscular dystrophy, type 2J; MUSCULAR DYSTROPHY, LIMB-GIRDLE, AUTOSOMAL RECESSIVE 10. Identifiers: Orphanet 140922, MedGen C1837342, MONDO:0012127, OMIM 608807.
Dilated cardiomyopathy 1G (CMD1G). Identifiers: Orphanet 154, MedGen C1858763, MONDO:0011400, OMIM 604145.

Allele frequency attached by ClinVar (database versions not stated): gnomAD 0.00001; gnomAD exomes 0.00001; TOPMed 0.00005.
gnomAD v4.1: 14 of 1,613,594 alleles (0.00087%); highest among the groups gnomAD compares: Non-Finnish European, 0.0012%; no homozygotes.

Submissions (2):

Labcorp Genetics (formerly Invitae), Labcorp
Classification: Likely benign for Dilated cardiomyopathy 1G; Autosomal recessive limb-girdle muscular dystrophy type 2J. Last evaluated: 2026-01-18. Review status: criteria provided, single submitter. Criteria: Invitae Variant Classification Sherloc (09022015). Collection method: clinical testing. Allele origin: germline.

PreventionGenetics, part of Exact Sciences
Classification: Likely benign for TTN-related condition. Last evaluated: 2025-09-17. Review status: criteria provided, single submitter. Criteria: ACMG Guidelines, 2015. Collection method: clinical testing. Allele origin: germline.
Comment: This variant is classified as likely benign based on ACMG/AMP sequence variant interpretation guidelines (Richards et al. 2015 PMID: 25741868, with internal and published modifications).

NM_001267550.2(TTN):c.39195A>G (p.Glu13065=)

Gene: TTN (titin; minus strand). Cytogenetic location: 2q31.2.
Variant type: single nucleotide variant.
Coding change: c.39195A>G on transcript NM_001267550.2 (MANE Select); coding-DNA position 39195, A replaced by G.
Protein change: p.Glu13065=; no amino-acid change (glutamic acid 13065 retained).
Molecular consequence: synonymous variant. On other transcripts: intron variant (3).
Genome position (GRCh38, 1-based): chr2:178,652,280, T>C on the plus strand (A>G on the coding strand, the complement: TTN is on the minus strand). VCF-style: chr2-178652280-T-C. GRCh37 (hg19) VCF-style: chr2-179517007-T-C.
Other names: c.34674A>G, p.Glu11558= (NM_001256850.1); c.31893A>G, p.Glu10631= (NM_133378.4); c.13283-9963A>G (NM_003319.4); c.13859-9963A>G (NM_133437.4); c.13658-9963A>G (NM_133432.3).
Identifiers: ClinVar variation 702740 (VCV000702740.12), dbSNP rs1004354766, ClinGen allele CA60969096.
Genomic context (GRCh38, chr2:178,652,280, plus strand): 5'-AGACAAACAAACAATATCAAACACAGCACCATGAGGGTGTCTACCTTTTGTGGGTGGCAC[T>C]TCAGGCTTTTTAGGAGGAGGCACTGGCACTTTCTTTTCAGGAACAACTTCTTTGGGAGCC-3'
Protein context (NP_001254479.2, residues 13055-13075): KVPVPPPKKP[Glu13065=]VPPTKVPEVP